The following is an entry in ClinVar:

NM_030662.4(MAP2K2):c.313C>G (p.Leu105Val)

Gene: MAP2K2 (mitogen-activated protein kinase kinase 2; minus strand). Cytogenetic location: 19p13.3.
Variant type: single nucleotide variant.
Coding change: c.313C>G on transcript NM_030662.4 (MANE Select); coding-DNA position 313, C replaced by G.
Protein change: p.Leu105Val; replaces leucine 105 with valine.
Molecular consequence: missense variant.
Genome position (GRCh38, 1-based): chr19:4,110,646, G>C on the plus strand (C>G on the coding strand, the complement: MAP2K2 is on the minus strand). VCF-style: chr19-4110646-G-C. GRCh37 (hg19) VCF-style: chr19-4110644-G-C.
Other names: p.L105V:CTT>GTT; short protein forms L105V.
Identifiers: ClinVar variation 180913 (VCV000180913.2), dbSNP rs730880521, ClinGen allele CA296179.

ClinVar aggregate classification (germline): Uncertain significance (1 of 4 stars; one submission).

Allele frequency attached by ClinVar (database versions not stated): gnomAD exomes below 0.00001.

Submission:

GeneDx
Classification: Uncertain significance. Last evaluated: 2018-12-24. Review status: criteria provided, single submitter. Criteria: GeneDx Variant Classification (06012015). Collection method: clinical testing. Allele origin: germline. Affected: yes.
Comment: p.Leu105Val (CTT>GTT): c.313 C>G in exon 3 of the MAP2K2 gene (NM_030662.3). The L105V variant has not been published as a mutation, nor has it been reported as a benign polymorphism to our knowledge. The L105V variant was not observed in approximately 6,500 individuals of European and African American ancestry in the NHLBI Exome Sequencing Project, indicating it is not a common benign variant in these populations. This substitution occurs at a position that is conserved across species. However, the L105V variant is a conservative amino acid substitution, which is not likely to impact secondary protein structure as these residues share similar properties. Additionally, in silico analysis is inconsistent in its predictions as to whether or not the variant is damaging to the protein structure/function. Furthermore, missense mutations in nearby residues have not been reported, indicating this region of the protein may be tolerant of change. Therefore, based on the currently available information, it is unclear whether this variant is a pathogenic mutation or a rare benign variant. The variant is found in CARDIOMYOPATHY panel(s).